The following is an entry in ClinVar:

NM_002890.3(RASA1):c.900-14A>G

Genes: CCNH (cyclin H; minus strand), RASA1 (RAS p21 protein activator 1; plus strand). Cytogenetic location: 5q14.3.
Variant type: single nucleotide variant.
Coding change: c.900-14A>G on transcript NM_002890.3 (MANE Select); 14 bases into the intron before coding-DNA position 900, A replaced by G.
Molecular consequence: intron variant.
Genome position (GRCh38, 1-based): chr5:87,337,960, A>G. VCF-style: chr5-87337960-A-G. GRCh37 (hg19) VCF-style: chr5-86633777-A-G.
Other names: c.369-14A>G (NM_022650.3); c.934-25165T>C (NM_001364075.2).
Identifiers: ClinVar variation 2042790 (VCV002042790.3), dbSNP rs1212700036, ClinGen allele CA815072282.

ClinVar aggregate classification (germline): Uncertain significance (1 of 4 stars; one submission).

Conditions:
Capillary malformation-arteriovenous malformation syndrome. Also called: Capillary malformation-arteriovenous malformation. Identifiers: Orphanet 137667, MedGen C1842180, MONDO:0012016.

Allele frequency attached by ClinVar (database versions not stated): TOPMed below 0.00001; gnomAD exomes below 0.00001.
gnomAD v4.1: 3 of 1,600,622 alleles (0.00019%); highest among the groups gnomAD compares: African/African-American, 0.0013%; no homozygotes.

Submission:

Labcorp Genetics (formerly Invitae), Labcorp
Classification: Uncertain significance for Capillary malformation-arteriovenous malformation syndrome. Last evaluated: 2025-04-02. Review status: criteria provided, single submitter. Criteria: Invitae Variant Classification Sherloc (09022015). Collection method: clinical testing. Allele origin: germline.
Comment: This sequence change falls in intron 4 of the RASA1 gene. It does not directly change the encoded amino acid sequence of the RASA1 protein. This variant is not present in population databases (gnomAD no frequency). This variant has not been reported in the literature in individuals affected with RASA1-related conditions. ClinVar contains an entry for this variant (Variation ID: 2042790). Algorithms developed to predict the effect of sequence changes on RNA splicing suggest that this variant may disrupt the consensus splice site. In summary, the available evidence is currently insufficient to determine the role of this variant in disease. Therefore, it has been classified as a Variant of Uncertain Significance.